The following is an entry in ClinVar:

NM_001040108.2(MLH3):c.137A>C (p.Asn46Thr)

Gene: MLH3 (mutL homolog 3; minus strand). Cytogenetic location: 14q24.3.
Variant type: single nucleotide variant.
Coding change: c.137A>C on transcript NM_001040108.2 (MANE Select); coding-DNA position 137, A replaced by C.
Protein change: p.Asn46Thr; replaces asparagine 46 with threonine.
Molecular consequence: missense variant.
Genome position (GRCh38, 1-based): chr14:75,049,519, T>G on the plus strand (A>C on the coding strand, the complement: MLH3 is on the minus strand). VCF-style: chr14-75049519-T-G. GRCh37 (hg19) VCF-style: chr14-75516222-T-G.
Other names: c.137A>C, p.Asn46Thr (NM_014381.3); short protein forms N46T.
Identifiers: ClinVar variation 1771241 (VCV001771241.3), dbSNP rs2503336103, ClinGen allele CA390451508.

ClinVar aggregate classification (germline): Uncertain significance (1 of 4 stars; one submission).

Submission:

Ambry Genetics
Classification: Uncertain significance. Last evaluated: 2024-09-02. Review status: criteria provided, single submitter. Criteria: Ambry Variant Classification Scheme 2023. Collection method: clinical testing. Allele origin: germline.
Comment: The p.N46T variant (also known as c.137A>C), located in coding exon 1 of the MLH3 gene, results from an A to C substitution at nucleotide position 137. The asparagine at codon 46 is replaced by threonine, an amino acid with similar properties. This amino acid position is conserved. In addition, this alteration is predicted to be tolerated by in silico analysis. Since supporting evidence is limited at this time, the clinical significance of this alteration remains unclear.